The following is an entry in ClinVar:

NM_004985.5(KRAS):c.239G>A (p.Cys80Tyr)

Gene: KRAS (KRas proto-oncogene, GTPase; minus strand). Cytogenetic location: 12p12.1.
Variant type: single nucleotide variant.
Coding change: c.239G>A on transcript NM_004985.5 (MANE Select); coding-DNA position 239, G replaced by A.
Protein change: p.Cys80Tyr; replaces cysteine 80 with tyrosine.
Molecular consequence: missense variant.
Genome position (GRCh38, 1-based): chr12:25,227,285, C>T on the plus strand (G>A on the coding strand, the complement: KRAS is on the minus strand). VCF-style: chr12-25227285-C-T. GRCh37 (hg19) VCF-style: chr12-25380219-C-T.
Other names: c.239G>A, p.Cys80Tyr (NM_001369786.1, NM_001369787.1, NM_033360.4); short protein forms C80Y.
Identifiers: ClinVar variation 5009143 (VCV005009143.1).
Genomic context (GRCh38, chr12:25,227,285, plus strand): 5'-TAAACCCACCTATAATGGTGAATATCTTCAAATGATTTAGTATTATTTATGGCAAATACA[C>T]AAAGAAAGCCCTCCCCAGTCCTCATGTACTGGTCCCTCATTGCACTGTACTCCTCTTGAC-3'
Protein context (NP_004976.2, residues 70-90): QYMRTGEGFL[Cys80Tyr]VFAINNTKSF

ClinVar aggregate classification (germline): Uncertain significance (1 of 4 stars; one submission).

Submission:

GeneDx
Classification: Uncertain significance. Last evaluated: 2026-02-14. Review status: criteria provided, single submitter. Criteria: GeneDx Variant Classification Process June 2021. Collection method: clinical testing. Allele origin: germline.
Comment: Not observed at significant frequency in large population cohorts (gnomAD); Missense variants in this gene are a common cause of disease and they are underrepresented in the general population; In silico analysis supports that this missense variant has a deleterious effect on protein structure/function; Has not been previously reported as pathogenic or benign in association with KRAS-related disorders to our knowledge; This variant is associated with the following publications: (PMID: 20184776)